The following is an entry in ClinVar:

ClinVar aggregate classification (germline): Uncertain significance (1 of 4 stars; one submission).

Submission:

CeGaT Center for Human Genetics Tuebingen
Classification: Uncertain significance. Last evaluated: 2024-05-01. Review status: criteria provided, single submitter. Criteria: CeGaT Center For Human Genetics Tuebingen Variant Classification Criteria Version 2. Collection method: clinical testing. Allele origin: germline. Affected: yes. Observed: 1 variant allele.
Comment: KCNA2: PM2, PP2, PP3

NM_004974.4(KCNA2):c.742G>T (p.Ala248Ser)

Gene: KCNA2 (potassium voltage-gated channel subfamily A member 2; minus strand). Cytogenetic location: 1p13.3.
Variant type: single nucleotide variant.
Coding change: c.742G>T on transcript NM_004974.4 (MANE Select); coding-DNA position 742, G replaced by T.
Protein change: p.Ala248Ser; replaces alanine 248 with serine.
Molecular consequence: missense variant.
Genome position (GRCh38, 1-based): chr1:110,604,041, C>A on the plus strand (G>T on the coding strand, the complement: KCNA2 is on the minus strand). VCF-style: chr1-110604041-C-A. GRCh37 (hg19) VCF-style: chr1-111146663-C-A.
Other names: c.742G>T, p.Ala248Ser (NM_001204269.2); short protein forms A248S.
Identifiers: ClinVar variation 3239526 (VCV003239526.19), dbSNP rs2524619221.